The following is an entry in ClinVar:

NM_138691.3(TMC1):c.2014A>G (p.Arg672Gly)

Gene: TMC1 (transmembrane channel like 1; plus strand). Cytogenetic location: 9q21.13.
Variant type: single nucleotide variant.
Coding change: c.2014A>G on transcript NM_138691.3 (MANE Select); coding-DNA position 2014, A replaced by G.
Protein change: p.Arg672Gly; replaces arginine 672 with glycine.
Molecular consequence: missense variant.
Genome position (GRCh38, 1-based): chr9:72,826,879, A>G. VCF-style: chr9-72826879-A-G. GRCh37 (hg19) VCF-style: chr9-75441795-A-G.
Other names: short protein forms R672G.
Identifiers: ClinVar variation 1431767 (VCV001431767.6), dbSNP rs1164767371, ClinGen allele CA373672714.

ClinVar aggregate classification (germline): Uncertain significance (1 of 4 stars; one submission).

Allele frequency attached by ClinVar (database versions not stated): gnomAD exomes below 0.00001.
gnomAD v4.1: 5 of 1,614,014 alleles (0.00031%); highest among the groups gnomAD compares: South Asian, 0.0011%; no homozygotes.

Submission:

Labcorp Genetics (formerly Invitae), Labcorp
Classification: Uncertain significance. Last evaluated: 2022-07-18. Review status: criteria provided, single submitter. Criteria: Invitae Variant Classification Sherloc (09022015). Collection method: clinical testing. Allele origin: germline.
Comment: ClinVar contains an entry for this variant (Variation ID: 1431767). In summary, the available evidence is currently insufficient to determine the role of this variant in disease. Therefore, it has been classified as a Variant of Uncertain Significance. Algorithms developed to predict the effect of sequence changes on RNA splicing suggest that this variant may create or strengthen a splice site. Algorithms developed to predict the effect of missense changes on protein structure and function are either unavailable or do not agree on the potential impact of this missense change (SIFT: "Deleterious"; PolyPhen-2: "Probably Damaging"; Align-GVGD: "Class C15"). This variant has not been reported in the literature in individuals affected with TMC1-related conditions. This variant is present in population databases (no rsID available, gnomAD 0.0009%). This sequence change replaces arginine, which is basic and polar, with glycine, which is neutral and non-polar, at codon 672 of the TMC1 protein (p.Arg672Gly).